The following is an entry in ClinVar:

NM_005458.8(GABBR2):c.742G>A (p.Val248Met)

Gene: GABBR2 (gamma-aminobutyric acid type B receptor subunit 2; minus strand). Cytogenetic location: 9q22.33.
Variant type: single nucleotide variant.
Coding change: c.742G>A on transcript NM_005458.8 (MANE Select); coding-DNA position 742, G replaced by A.
Protein change: p.Val248Met; replaces valine 248 with methionine.
Molecular consequence: missense variant.
Genome position (GRCh38, 1-based): chr9:98,480,988, C>T on the plus strand (G>A on the coding strand, the complement: GABBR2 is on the minus strand). VCF-style: chr9-98480988-C-T. GRCh37 (hg19) VCF-style: chr9-101243270-C-T.
Other names: short protein forms V248M.
Identifiers: ClinVar variation 2659345 (VCV002659345.24), dbSNP rs750056383, ClinGen allele CA5152896.

ClinVar aggregate classification (germline): Likely benign. Review status: criteria provided, single submitter (1 of 4 stars). 2 submissions from 2 submitters: Likely benign (1). 1 of the submissions does not count toward it. Last evaluated 2023-09-01.

Allele frequency attached by ClinVar (database versions not stated): gnomAD 0.00002; gnomAD exomes 0.00002; ExAC 0.00005.

Submissions (2):

CeGaT Center for Human Genetics Tuebingen
Classification: Likely benign. Last evaluated: 2023-09-01. Review status: criteria provided, single submitter. Criteria: CeGaT Center For Human Genetics Tuebingen Variant Classification Criteria Version 2. Collection method: clinical testing. Allele origin: germline. Affected: yes. Observed: 1 variant allele.
Comment: GABBR2: PP2, PP3, BS2

Genetics and Genomic Medicine Centre, NeuroGen Healthcare, NeuroGen Healthcare
Classification: Uncertain significance. Last evaluated: 2021-07-29. Review status: no assertion criteria provided. Collection method: clinical testing. Allele origin: unknown. Affected: yes. Not counted in ClinVar's aggregate classification.